The following is an entry in ClinVar:

NM_001127222.2(CACNA1A):c.3106G>A (p.Gly1036Arg)

Gene: CACNA1A (calcium voltage-gated channel subunit alpha1 A; minus strand). Cytogenetic location: 19p13.13.
Variant type: single nucleotide variant.
Coding change: c.3106G>A on transcript NM_001127222.2 (MANE Select); coding-DNA position 3106, G replaced by A.
Protein change: p.Gly1036Arg; replaces glycine 1036 with arginine.
Molecular consequence: missense variant.
Genome position (GRCh38, 1-based): chr19:13,286,950, C>T on the plus strand (G>A on the coding strand, the complement: CACNA1A is on the minus strand). VCF-style: chr19-13286950-C-T. GRCh37 (hg19) VCF-style: chr19-13397764-C-T.
Other names: c.3118G>A, p.Gly1040Arg (NM_000068.4, NM_023035.3); c.3109G>A, p.Gly1037Arg (NM_001127221.2, NM_001174080.2); short protein forms G1037R, G1040R, G1036R.
Identifiers: ClinVar variation 941235 (VCV000941235.10), dbSNP rs762343454, ClinGen allele CA9240414.
Genomic context (GRCh38, chr19:13,286,950, plus strand): 5'-GGCCCAGGTCCTGCTGGATTGGCCGGGTGGTTGACAGGTTGGGGCCCGACACAGGGACCC[C>T]GGAGCCCTGGTTCTCTCTGAGGAAGGCAAGTGAATGAAAAAGAACCAACAACTGATTTAG-3'
Protein context (NP_001120694.1, residues 1026-1046): HRRRKENQGS[Gly1036Arg]VPVSGPNLST

ClinVar aggregate classification (germline): Conflicting classifications of pathogenicity. Review status: criteria provided, conflicting classifications (1 of 4 stars). 2 submissions from 2 submitters: Uncertain significance (1); Likely benign (1). Last evaluated 2025-02-19.

Conditions:
Developmental and epileptic encephalopathy, 42 (DEE42A). Also called: DEVELOPMENTAL AND EPILEPTIC ENCEPHALOPATHY 42A; EPILEPTIC ENCEPHALOPATHY, EARLY INFANTILE, 42A; Epileptic encephalopathy, early infantile, 42. Identifiers: MedGen C4310716, MONDO:0014917, OMIM 617106.
Episodic ataxia type 2 (EA2). Also called: CEREBELLAR ATAXIA, PAROXYSMAL, ACETAZOLAMIDE-RESPONSIVE; CEREBELLOPATHY, HEREDITARY PAROXYSMAL; EPISODIC ATAXIA, NYSTAGMUS-ASSOCIATED; ACETAZOLAMIDE-RESPONSIVE HEREDITARY PAROXYSMAL CEREBELLAR ATAXIA; ATAXIA, EPISODIC, WITH NYSTAGMUS; ATAXIA, FAMILIAL PAROXYSMAL. Identifiers: Orphanet 97, MedGen C1720416, MONDO:0007163, OMIM 108500.

Allele frequency attached by ClinVar (database versions not stated): ExAC 0.00004; gnomAD exomes 0.00004.
gnomAD v4.1: 18 of 1,601,262 alleles (0.0011%); highest among the groups gnomAD compares: East Asian, 0.009%; no homozygotes.

Submissions (2):

GeneDx
Classification: Uncertain significance. Last evaluated: 2025-02-19. Review status: criteria provided, single submitter. Criteria: GeneDx Variant Classification Process June 2021. Collection method: clinical testing. Allele origin: germline. Affected: yes.
Comment: In silico analysis supports that this missense variant has a deleterious effect on protein structure/function; Has not been previously published as pathogenic or benign to our knowledge

Labcorp Genetics (formerly Invitae), Labcorp
Classification: Likely benign for Developmental and epileptic encephalopathy, 42; Episodic ataxia type 2. Last evaluated: 2023-12-07. Review status: criteria provided, single submitter. Criteria: Invitae Variant Classification Sherloc (09022015). Collection method: clinical testing. Allele origin: germline.